The following is an entry in ClinVar:

NM_004525.3(LRP2):c.12715T>G (p.Leu4239Val)

Gene: LRP2 (LDL receptor related protein 2; minus strand). Cytogenetic location: 2q31.1.
Variant type: single nucleotide variant.
Coding change: c.12715T>G on transcript NM_004525.3 (MANE Select); coding-DNA position 12715, T replaced by G.
Protein change: p.Leu4239Val; replaces leucine 4239 with valine.
Molecular consequence: missense variant.
Genome position (GRCh38, 1-based): chr2:169,146,835, A>C on the plus strand (T>G on the coding strand, the complement: LRP2 is on the minus strand). VCF-style: chr2-169146835-A-C. GRCh37 (hg19) VCF-style: chr2-170003345-A-C.
Other names: c.12715T>G (NM_004525.2); short protein forms L4239V.
Identifiers: ClinVar variation 3634074 (VCV003634074.3).

ClinVar aggregate classification (germline): Uncertain significance. Review status: criteria provided, multiple submitters, no conflicts (2 of 4 stars). 2 submissions from 2 submitters: Uncertain significance (2). Last evaluated 2025-05-13.

Conditions:
Inborn genetic diseases. Identifiers: MedGen C0950123, MeSH D030342.

Submissions (2):

Ambry Genetics
Classification: Uncertain significance for Inborn genetic diseases. Last evaluated: 2025-05-13. Review status: criteria provided, single submitter. Criteria: Ambry Variant Classification Scheme 2023. Collection method: clinical testing. Allele origin: germline.

Labcorp Genetics (formerly Invitae), Labcorp
Classification: Uncertain significance. Last evaluated: 2024-04-18. Review status: criteria provided, single submitter. Criteria: Invitae Variant Classification Sherloc (09022015). Collection method: clinical testing. Allele origin: germline.
Comment: This sequence change replaces leucine, which is neutral and non-polar, with valine, which is neutral and non-polar, at codon 4239 of the LRP2 protein (p.Leu4239Val). This variant is not present in population databases (gnomAD no frequency). This variant has not been reported in the literature in individuals affected with LRP2-related conditions. Advanced modeling of protein sequence and biophysical properties (such as structural, functional, and spatial information, amino acid conservation, physicochemical variation, residue mobility, and thermodynamic stability) performed at Invitae indicates that this missense variant is not expected to disrupt LRP2 protein function with a negative predictive value of 95%. In summary, the available evidence is currently insufficient to determine the role of this variant in disease. Therefore, it has been classified as a Variant of Uncertain Significance.